The following is an entry in ClinVar:

NM_000169.3(GLA):c.886_887del (p.Met296fs)

Genes: GLA (galactosidase alpha; minus strand), RPL36A-HNRNPH2 (RPL36A-HNRNPH2 readthrough; plus strand). Cytogenetic location: Xq22.1.
Variant type: Deletion.
Coding change: c.886_887del on transcript NM_000169.3 (MANE Select); coding-DNA positions 886 to 887, 2 bases deleted (AT; older notation c.886_887delAT).
Protein change: p.Met296fs; shifts the reading frame from methionine 296.
Molecular consequence: frameshift variant. On other transcripts: non-coding transcript variant (3), intron variant (2).
Genome position (GRCh38, 1-based): chrX:101,398,482-101,398,483, AT deleted on the plus strand (AT on the coding strand, the reverse complement: GLA is on the minus strand). VCF-style (leftmost placement, unchanged base first): chrX-101398481-CAT-C. GRCh37 (hg19) VCF-style: chrX-100653469-CAT-C.
Other names: c.1009_1010del, p.Met337fs (NM_001406747.1); c.886_887del, p.Met296fs (NM_001406748.1); c.300+3025_300+3026del (NM_001199973.2); c.177+6660_177+6661del (NM_001199974.2); short protein forms M296fs, M337fs.
Identifiers: ClinVar variation 4087018 (VCV004087018.2).
Genomic context (GRCh38, chrX:101,398,481, plus strand): 5'-TACGTCCTTATCCTGAAGGAGAGCTTTGGCTTGAGGGCTGATGTGTCGGAGGTCATTAGA[CAT>C]GAATAAAGGAGCAGCCATGATAGCCCAGAGGGCCATCTGAGTTACTTGCTGATTCCAGCT-3'

ClinVar aggregate classification (germline): Pathogenic (1 of 4 stars; one submission).

Conditions:
Fabry disease. Also called: ALPHA-GALACTOSIDASE A DEFICIENCY; ANDERSON-FABRY DISEASE; CERAMIDE TRIHEXOSIDASE DEFICIENCY; GLA DEFICIENCY; HEREDITARY DYSTOPIC LIPIDOSIS; Angiokeratoma corporis diffusum. Identifiers: Orphanet 324, MedGen C0002986, MONDO:0010526, OMIM 301500, HP:0001071. Disease mechanism: Fabry disease is due to inactivating mutations in the X-linked GLA gene resulting in deficiency of the enzyme Alpha Galactosidase-A., loss of function.

Submission:

Genomenon, Inc
Classification: Pathogenic for Fabry disease. Last evaluated: 2026-09-08. Review status: criteria provided, single submitter. Criteria: Genomenon Sequence Variant Interpretation Standards - Updated. Collection method: curation. Allele origin: germline. Affected: yes.
Comment: GLA p.Met296ValfsTer2 (c.886_887del) is a frameshift variant that is predicted to introduce a premature termination codon and result in a truncated or absent protein product. This variant has been observed in at least one proband with clinical features consistent with Fabry disease (PMID:31392112). Functional or patient cell studies have been reported (PMID:31392112). It is absent or not present at a significant frequency in gnomAD. In conclusion, we classify GLA p.Met296ValfsTer2 (c.886_887del) as a pathogenic variant.

Literature cited by the submitters: PubMed 31392112.